The following is an entry in ClinVar:

ClinVar aggregate classification (germline): Uncertain significance (1 of 4 stars; one submission).

Allele frequency attached by ClinVar (database versions not stated): gnomAD exomes below 0.00001.
gnomAD v4.1: 1 of 1,614,084 alleles (0.000062%); highest among the groups gnomAD compares: Middle Eastern, 0.016%; no homozygotes.

Submission:

GeneDx
Classification: Uncertain significance. Last evaluated: 2023-12-11. Review status: criteria provided, single submitter. Criteria: GeneDx Variant Classification Process June 2021. Collection method: clinical testing. Allele origin: germline.
Comment: Not observed at significant frequency in large population cohorts (gnomAD); In silico analysis supports that this missense variant does not alter protein structure/function; Has not been previously published as pathogenic or benign to our knowledge

NM_022132.5(MCCC2):c.1642G>A (p.Ala548Thr)

Gene: MCCC2 (methylcrotonyl-CoA carboxylase subunit 2; plus strand). Cytogenetic location: 5q13.2.
Variant type: single nucleotide variant.
Coding change: c.1642G>A on transcript NM_022132.5 (MANE Select); coding-DNA position 1642, G replaced by A.
Protein change: p.Ala548Thr; replaces alanine 548 with threonine.
Molecular consequence: missense variant.
Genome position (GRCh38, 1-based): chr5:71,656,810, G>A. VCF-style: chr5-71656810-G-A. GRCh37 (hg19) VCF-style: chr5-70952637-G-A.
Other names: c.1528G>A, p.Ala510Thr (NM_001363147.1); short protein forms A510T, A548T.
Identifiers: ClinVar variation 2446091 (VCV002446091.2), dbSNP rs2530870718, ClinGen allele CA360004505.